The following is an entry in ClinVar:

NM_001447.3(FAT2):c.11172G>C (p.Met3724Ile)

Genes: FAT2 (FAT atypical cadherin 2; minus strand), SLC36A1 (solute carrier family 36 member 1; plus strand). Cytogenetic location: 5q33.1.
Variant type: single nucleotide variant.
Coding change: c.11172G>C on transcript NM_001447.3 (MANE Select); coding-DNA position 11172, G replaced by C.
Protein change: p.Met3724Ile; replaces methionine 3724 with isoleucine.
Molecular consequence: missense variant.
Genome position (GRCh38, 1-based): chr5:151,521,421, C>G on the plus strand (G>C on the coding strand, the complement: FAT2 is on the minus strand). VCF-style: chr5-151521421-C-G. GRCh37 (hg19) VCF-style: chr5-150900982-C-G.
Other names: short protein forms M3724I.
Identifiers: ClinVar variation 3640656 (VCV003640656.2).

ClinVar aggregate classification (germline): Uncertain significance (1 of 4 stars; one submission).

gnomAD v4.1: 4 of 1,614,210 alleles (0.00025%); highest among the groups gnomAD compares: Non-Finnish European, 0.00034%; no homozygotes.

Submission:

Labcorp Genetics (formerly Invitae), Labcorp
Classification: Uncertain significance. Last evaluated: 2024-03-22. Review status: criteria provided, single submitter. Criteria: Invitae Variant Classification Sherloc (09022015). Collection method: clinical testing. Allele origin: germline.
Comment: This sequence change replaces methionine, which is neutral and non-polar, with isoleucine, which is neutral and non-polar, at codon 3724 of the FAT2 protein (p.Met3724Ile). This variant is not present in population databases (gnomAD no frequency). This variant has not been reported in the literature in individuals affected with FAT2-related conditions. An algorithm developed to predict the effect of missense changes on protein structure and function (PolyPhen-2) suggests that this variant is likely to be tolerated. In summary, the available evidence is currently insufficient to determine the role of this variant in disease. Therefore, it has been classified as a Variant of Uncertain Significance.